The following is an entry in ClinVar:

ClinVar aggregate classification (germline): Pathogenic (1 of 4 stars; one submission).

Conditions:
Neurofibromatosis, type 1 (NF1). Also called: VON RECKLINGHAUSEN DISEASE; Peripheral type neurofibromatosis; NEUROFIBROMATOSIS, TYPE I, SOMATIC; Neurofibromatosis, type I. Identifiers: Orphanet 636, MedGen C0027831, MONDO:0018975, OMIM 162200. Disease mechanism: loss of function.

Submission:

Labcorp Genetics (formerly Invitae), Labcorp
Classification: Pathogenic for Neurofibromatosis, type 1. Last evaluated: 2015-09-13. Review status: criteria provided, single submitter. Criteria: Invitae Variant Classification Sherloc (09022015). Collection method: clinical testing. Allele origin: germline.
Comment: A gross deletion of the genomic region encompassing the full coding sequence of the NF1 gene has been identified. This deletion extends beyond both edges of the assayed region, and the 5' and 3' boundaries of this event are not known. While this assay does not include deletion/duplication analysis for exons 16-24 and 31-35, all intervening and surrounding exons are deleted consistent with a whole gene deletion. Gross deletions of the NF1 gene have been observed in many neurofibromatosis patients and are known to be pathogenic (PMID: 8116612, 8931693, 9643287). For these reasons, this variant has been classified as Pathogenic.

Literature cited by the submitters: PubMed 8116612; PubMed 8931693; PubMed 9643287.

NC_000017.10:g.(?_29422314)_(29548957_?)del

Gene: NF1 (neurofibromin 1; plus strand). Cytogenetic location: 17q11.2.
Variant type: Deletion.
Identifiers: ClinVar variation 1072077 (VCV001072077.1).